The following is an entry in ClinVar:

ClinVar aggregate classification (germline): Uncertain significance (1 of 4 stars; one submission).

Submission:

GeneDx
Classification: Uncertain significance. Last evaluated: 2025-03-17. Review status: criteria provided, single submitter. Criteria: GeneDx Variant Classification Process June 2021. Collection method: clinical testing. Allele origin: germline. Affected: yes.
Comment: Not observed at significant frequency in large population cohorts (gnomAD); In silico analysis indicates that this missense variant does not alter protein structure/function; Has not been previously published as pathogenic or benign to our knowledge

NM_006160.4(NEUROD2):c.1013C>A (p.Thr338Lys)

Gene: NEUROD2 (neuronal differentiation 2; minus strand). Cytogenetic location: 17q12.
Variant type: single nucleotide variant.
Coding change: c.1013C>A on transcript NM_006160.4 (MANE Select); coding-DNA position 1013, C replaced by A.
Protein change: p.Thr338Lys; replaces threonine 338 with lysine.
Molecular consequence: missense variant.
Genome position (GRCh38, 1-based): chr17:39,605,587, G>T on the plus strand (C>A on the coding strand, the complement: NEUROD2 is on the minus strand). VCF-style: chr17-39605587-G-T. GRCh37 (hg19) VCF-style: chr17-37761840-G-T.
Other names: short protein forms T338K.
Identifiers: ClinVar variation 4086288 (VCV004086288.1).